The following is an entry in ClinVar:

NM_032806.6(POMGNT2):c.37T>G (p.Ser13Ala)

Gene: POMGNT2 (protein O-linked mannose N-acetylglucosaminyltransferase 2 (beta 1,4-); minus strand). Cytogenetic location: 3p22.1.
Variant type: single nucleotide variant.
Coding change: c.37T>G on transcript NM_032806.6 (MANE Select); coding-DNA position 37, T replaced by G.
Protein change: p.Ser13Ala; replaces serine 13 with alanine.
Molecular consequence: missense variant.
Genome position (GRCh38, 1-based): chr3:43,081,395, A>C on the plus strand (T>G on the coding strand, the complement: POMGNT2 is on the minus strand). VCF-style: chr3-43081395-A-C. GRCh37 (hg19) VCF-style: chr3-43122887-A-C.
Other names: short protein forms S13A.
Identifiers: ClinVar variation 834659 (VCV000834659.6), dbSNP rs2089855148, ClinGen allele CA352304063.

ClinVar aggregate classification (germline): Uncertain significance (1 of 4 stars; one submission).

Conditions:
Muscular dystrophy-dystroglycanopathy (congenital with brain and eye anomalies), type a, 8 (MDDGA8). Also called: WALKER-WARBURG SYNDROME OR MUSCLE-EYE-BRAIN DISEASE, GTDC2-RELATED. Identifiers: Orphanet 899, MedGen C3553813, MONDO:0013904, OMIM 614830.

Submission:

Labcorp Genetics (formerly Invitae), Labcorp
Classification: Uncertain significance for Muscular dystrophy-dystroglycanopathy (congenital with brain and eye anomalies), type a, 8. Last evaluated: 2021-07-20. Review status: criteria provided, single submitter. Criteria: Invitae Variant Classification Sherloc (09022015). Collection method: clinical testing. Allele origin: germline.
Comment: In summary, the available evidence is currently insufficient to determine the role of this variant in disease. Therefore, it has been classified as a Variant of Uncertain Significance. This variant has not been reported in the literature in individuals with POMGNT2-related conditions. This variant is not present in population databases (ExAC no frequency). This sequence change replaces serine with alanine at codon 13 of the POMGNT2 protein (p.Ser13Ala). The serine residue is highly conserved and there is a moderate physicochemical difference between serine and alanine.